The following is an entry in ClinVar:

ClinVar aggregate classification (germline): Conflicting classifications of pathogenicity. Review status: criteria provided, conflicting classifications (1 of 4 stars). 4 submissions from 4 submitters: Uncertain significance (2); Likely benign (2). Last evaluated 2025-08-08.

Conditions:
Inborn genetic diseases. Identifiers: MedGen C0950123, MeSH D030342.
Hypogonadotropic hypogonadism 5 with or without anosmia (KAL5). Also called: HYPOGONADOTROPIC HYPOGONADISM 5 WITH ANOSMIA; HYPOGONADOTROPHIC HYPOGONADISM 5 WITHOUT ANOSMIA; CHD7-Related GnRH Deficiency (Kallmann Syndrome 5). Identifiers: Orphanet 478, MedGen C3552553, MONDO:0012880, OMIM 612370. Disease mechanism: loss of function.
CHARGE syndrome (CHARGE). Also called: Hittner Hirsch Kreh syndrome; Coloboma, heart anomaly, choanal atresia, retardation, genital and ear anomalies; CHARGE association; Hall-Hittner syndrome; CHARGE ASSOCIATION--COLOBOMA, HEART ANOMALY, CHOANAL ATRESIA, RETARDATION, GENITAL AND EAR ANOMALIES. Identifiers: Orphanet 138, MedGen C0265354, MONDO:0008965.

Allele frequency attached by ClinVar (database versions not stated): gnomAD exomes 0.00001 and 0.00002; ExAC 0.00003; gnomAD 0.00003; TOPMed 0.00007; 1000 Genomes Project 30x 0.00016; ESP Exome Variant Server 0.00017; 1000 Genomes Project 0.00020.
gnomAD v4.1: 10 of 1,606,730 alleles (0.00062%); highest among the groups gnomAD compares: African/African-American, 0.012%; no homozygotes.

Submissions (4):

Ambry Genetics
Classification: Likely benign for Inborn genetic diseases. Last evaluated: 2025-08-08. Review status: criteria provided, single submitter. Criteria: Ambry Variant Classification Scheme 2023. Collection method: clinical testing. Allele origin: germline.

Labcorp Genetics (formerly Invitae), Labcorp
Classification: Likely benign for CHARGE syndrome. Last evaluated: 2025-06-19. Review status: criteria provided, single submitter. Criteria: Invitae Variant Classification Sherloc (09022015). Collection method: clinical testing. Allele origin: germline.

Fulgent Genetics
Classification: Uncertain significance for CHD7-related CHARGE syndrome; Hypogonadotropic hypogonadism 5 with or without anosmia. Last evaluated: 2024-05-14. Review status: criteria provided, single submitter. Criteria: ACMG Guidelines, 2015. Collection method: clinical testing. Allele origin: germline.

GeneDx
Classification: Uncertain significance. Last evaluated: 2020-05-01. Review status: criteria provided, single submitter. Criteria: GeneDx Variant Classification Process June 2021. Collection method: clinical testing. Allele origin: germline. Affected: yes.
Comment: In silico analysis supports that this missense variant does not alter protein structure/function; Has not been previously published as pathogenic or benign to our knowledge

NM_017780.4(CHD7):c.3190A>G (p.Lys1064Glu)

Gene: CHD7 (chromodomain helicase DNA binding protein 7; plus strand). Cytogenetic location: 8q12.2.
Variant type: single nucleotide variant.
Coding change: c.3190A>G on transcript NM_017780.4 (MANE Select); coding-DNA position 3190, A replaced by G.
Protein change: p.Lys1064Glu; replaces lysine 1064 with glutamic acid.
Molecular consequence: missense variant. On other transcripts: intron variant (1).
Genome position (GRCh38, 1-based): chr8:60,822,735, A>G. VCF-style: chr8-60822735-A-G. GRCh37 (hg19) VCF-style: chr8-61735294-A-G.
Other names: c.1717-39494A>G (NM_001316690.1); short protein forms K1064E.
Identifiers: ClinVar variation 945458 (VCV000945458.14), dbSNP rs200565677, ClinGen allele CA4759892.